The following is an entry in ClinVar:

NM_001166387.4(MAGEA12):c.173C>T (p.Ser58Leu)

Gene: MAGEA12 (MAGE family member A12). Cytogenetic location: Xq28.
Variant type: single nucleotide variant.
Coding change: c.173C>T on transcript NM_001166387.4 (MANE Select); coding-DNA position 173, C replaced by T.
Protein change: p.Ser58Leu; replaces serine 58 with leucine.
Molecular consequence: missense variant.
Genome position (GRCh38, 1-based): chrX:152,736,334, C>T. VCF-style: chrX-152736334-C-T. GRCh37 (hg19) VCF-style: chrX-151900628-G-A.
Other names: c.173C>T, p.Ser58Leu (NM_001166386.3, NM_005367.7); short protein forms S58L.
Identifiers: ClinVar variation 4859456 (VCV004859456.1).
Genomic context (GRCh38, chrX:152,736,334, plus strand): 5'-CTGCCTCCTCCTCCTCTACTCTAGTGGAAGTCACCCTGCGGGAGGTGCCTGCTGCCGAGT[C>T]ACCAAGTCCTCCCCACAGTCCTCAGGGAGCCTCCACCCTCCCCACTACCATCAACTATAC-3'
Protein context (NP_001159859.1, residues 48-68): VTLREVPAAE[Ser58Leu]PSPPHSPQGA

ClinVar aggregate classification (germline): Uncertain significance (1 of 4 stars; one submission).

Submission:

Ambry Genetics
Classification: Uncertain significance. Last evaluated: 2026-05-26. Review status: criteria provided, single submitter. Criteria: Ambry Variant Classification Scheme 2023. Collection method: clinical testing. Allele origin: germline.
Comment: The c.173C>T (p.S58L) alteration is located in exon 3 (coding exon 1) of the MAGEA12 gene. This alteration results from a C to T substitution at nucleotide position 173, causing the serine (S) at amino acid position 58 to be replaced by a leucine (L). Based on data from gnomAD, the T allele has an overall frequency of 0.001% (2/183400) total alleles studied. The highest observed frequency was 0.002% (2/81881) of European (non-Finnish) alleles. Based on insufficient or conflicting evidence, the clinical significance of this alteration remains unclear.